The following is an entry in ClinVar:

NM_001366110.1(PAX4):c.246C>G (p.Pro82=)

Gene: PAX4 (paired box 4; minus strand). Cytogenetic location: 7q32.1.
Variant type: single nucleotide variant.
Coding change: c.246C>G on transcript NM_001366110.1 (MANE Select); coding-DNA position 246, C replaced by G.
Protein change: p.Pro82=; no amino-acid change (proline 82 retained).
Molecular consequence: synonymous variant.
Genome position (GRCh38, 1-based): chr7:127,614,994, G>C on the plus strand (C>G on the coding strand, the complement: PAX4 is on the minus strand). VCF-style: chr7-127614994-G-C. GRCh37 (hg19) VCF-style: chr7-127255048-G-C.
Other names: c.246C>G, p.Pro82= (NM_001366111.1).
Identifiers: ClinVar variation 4682038 (VCV004682038.5).

ClinVar aggregate classification (germline): Likely benign (1 of 4 stars; one submission).

gnomAD v4.1: 3 of 1,614,160 alleles (0.00019%); highest among the groups gnomAD compares: Non-Finnish European, 0.00017%; no homozygotes.

Submission:

CeGaT Center for Human Genetics Tuebingen
Classification: Likely benign. Last evaluated: 2025-12-01. Review status: criteria provided, single submitter. Criteria: CeGaT Center For Human Genetics Tuebingen Variant Classification Criteria Version 2. Collection method: clinical testing. Allele origin: germline. Affected: yes. Observed: 1 variant allele.
Comment: PAX4: BP4, BP7